The following is an entry in ClinVar:

NM_182643.3(DLC1):c.3218G>A (p.Arg1073Gln)

Gene: DLC1 (DLC1 Rho GTPase activating protein; minus strand). Cytogenetic location: 8p22.
Variant type: single nucleotide variant.
Coding change: c.3218G>A on transcript NM_182643.3 (MANE Select); coding-DNA position 3218, G replaced by A.
Protein change: p.Arg1073Gln; replaces arginine 1073 with glutamine.
Molecular consequence: missense variant.
Genome position (GRCh38, 1-based): chr8:13,095,195, C>T on the plus strand (G>A on the coding strand, the complement: DLC1 is on the minus strand). VCF-style: chr8-13095195-C-T. GRCh37 (hg19) VCF-style: chr8-12952704-C-T.
Other names: c.1685G>A, p.Arg562Gln (NM_001164271.2, NM_001348082.2, NM_001348083.1 and 6 more transcripts); c.2009G>A, p.Arg670Gln (NM_001316668.2, NM_001413129.1); c.3218G>A, p.Arg1073Gln (NM_001348081.2, NM_001413124.1); c.2000G>A, p.Arg667Gln (NM_001413130.1); c.1658G>A, p.Arg553Gln (NM_001413131.1, NM_001413137.1); c.2144G>A, p.Arg715Gln (NM_001413132.1); c.1907G>A, p.Arg636Gln (NM_001413135.1, NM_001413136.1, NM_001413139.1 and 1 more transcripts); c.2042G>A, p.Arg681Gln (NM_001413140.1); short protein forms R1073Q, R553Q, R667Q, R670Q, R681Q, R562Q, R636Q, R715Q.
Identifiers: ClinVar variation 4740674 (VCV004740674.1).
Genomic context (GRCh38, chr8:13,095,195, plus strand): 5'-TGAGGCAACGGTTGTCCTGTGCGCTGCACGTTGACCGTCAGTGGGACCCCAAACACACTC[C>T]GGTCCTTGTAGTCTGGAACCTTGATCCTCTTCATGAACTTGGGCACGGCCCTGTTAAAGA-3'
Protein context (NP_872584.2, residues 1063-1083): KRIKVPDYKD[Arg1073Gln]SVFGVPLTVN

ClinVar aggregate classification (germline): Uncertain significance (1 of 4 stars; one submission).

gnomAD v4.1: 71 of 1,614,106 alleles (0.0044%); highest among the groups gnomAD compares: East Asian, 0.018%; no homozygotes.

Submission:

Labcorp Genetics (formerly Invitae), Labcorp
Classification: Uncertain significance. Last evaluated: 2025-05-03. Review status: criteria provided, single submitter. Criteria: Invitae Variant Classification Sherloc (09022015). Collection method: clinical testing. Allele origin: germline.
Comment: This sequence change replaces arginine, which is basic and polar, with glutamine, which is neutral and polar, at codon 1073 of the DLC1 protein (p.Arg1073Gln). This variant is present in population databases (rs750120068, gnomAD 0.04%). This variant has not been reported in the literature in individuals affected with DLC1-related conditions. An algorithm developed to predict the effect of missense changes on protein structure and function (PolyPhen-2) suggests that this variant is likely to be disruptive. In summary, the available evidence is currently insufficient to determine the role of this variant in disease. Therefore, it has been classified as a Variant of Uncertain Significance.